The following is an entry in ClinVar:

NM_017934.7(PHIP):c.1806T>C (p.Tyr602=)

Gene: PHIP (PHIP subunit of CUL4-Ring ligase complex; minus strand). Cytogenetic location: 6q14.1.
Variant type: single nucleotide variant.
Coding change: c.1806T>C on transcript NM_017934.7 (MANE Select); coding-DNA position 1806, T replaced by C.
Protein change: p.Tyr602=; no amino-acid change (tyrosine 602 retained).
Molecular consequence: synonymous variant.
Genome position (GRCh38, 1-based): chr6:79,001,972, A>G on the plus strand (T>C on the coding strand, the complement: PHIP is on the minus strand). VCF-style: chr6-79001972-A-G. GRCh37 (hg19) VCF-style: chr6-79711689-A-G.
Identifiers: ClinVar variation 2673067 (VCV002673067.23), dbSNP rs2482067236, ClinGen allele CA451006891.

ClinVar aggregate classification (germline): Likely benign (1 of 4 stars; one submission).

Submission:

CeGaT Center for Human Genetics Tuebingen
Classification: Likely benign. Last evaluated: 2023-11-01. Review status: criteria provided, single submitter. Criteria: CeGaT Center For Human Genetics Tuebingen Variant Classification Criteria Version 2. Collection method: clinical testing. Allele origin: germline. Affected: yes. Observed: 1 variant allele.
Comment: PHIP: PM2:Supporting, BP4, BP7